The following is an entry in ClinVar:

NM_001005361.3(DNM2):c.2047A>G (p.Met683Val)

Gene: DNM2 (dynamin 2; plus strand). Cytogenetic location: 19p13.2.
Variant type: single nucleotide variant.
Coding change: c.2047A>G on transcript NM_001005361.3 (MANE Select); coding-DNA position 2047, A replaced by G.
Protein change: p.Met683Val; replaces methionine 683 with valine.
Molecular consequence: missense variant.
Genome position (GRCh38, 1-based): chr19:10,825,210, A>G. VCF-style: chr19-10825210-A-G. GRCh37 (hg19) VCF-style: chr19-10935886-A-G.
Other names: c.2047A>G, p.Met683Val (NM_001005360.3, NM_001190716.2); c.2035A>G, p.Met679Val (NM_001005362.3, NM_004945.4); short protein forms M679V, M683V.
Identifiers: ClinVar variation 3002611 (VCV003002611.3), dbSNP rs2073102023, ClinGen allele CA404041765.

ClinVar aggregate classification (germline): Uncertain significance (1 of 4 stars; one submission).

Conditions:
Charcot-Marie-Tooth disease dominant intermediate B (CMTDIB). Also called: Charcot-Marie-Tooth disease dominant intermediate 1; CMT DI1; Charcot-Marie-Tooth disease dominant intermediate I; CHARCOT-MARIE-TOOTH NEUROPATHY, DOMINANT INTERMEDIATE B. Identifiers: Orphanet 100044, Orphanet 228179, MedGen C1847902, MONDO:0011674, OMIM 606482.

Allele frequency attached by ClinVar (database versions not stated): TOPMed below 0.00001; gnomAD 0.00001.
gnomAD v4.1: 1 of 1,613,946 alleles (0.000062%); highest among the groups gnomAD compares: Non-Finnish European, 0.000085%; no homozygotes.

Submission:

Labcorp Genetics (formerly Invitae), Labcorp
Classification: Uncertain significance for Charcot-Marie-Tooth disease dominant intermediate B. Last evaluated: 2025-01-22. Review status: criteria provided, single submitter. Criteria: Invitae Variant Classification Sherloc (09022015). Collection method: clinical testing. Allele origin: germline.
Comment: This sequence change replaces methionine, which is neutral and non-polar, with valine, which is neutral and non-polar, at codon 683 of the DNM2 protein (p.Met683Val). This variant is not present in population databases (gnomAD no frequency). This variant has not been reported in the literature in individuals affected with DNM2-related conditions. ClinVar contains an entry for this variant (Variation ID: 3002611). Invitae Evidence Modeling of protein sequence and biophysical properties (such as structural, functional, and spatial information, amino acid conservation, physicochemical variation, residue mobility, and thermodynamic stability) indicates that this missense variant is not expected to disrupt DNM2 protein function with a negative predictive value of 95%. In summary, the available evidence is currently insufficient to determine the role of this variant in disease. Therefore, it has been classified as a Variant of Uncertain Significance.